The following is an entry in ClinVar:

ClinVar aggregate classification (germline): Conflicting classifications of pathogenicity. Review status: criteria provided, conflicting classifications (1 of 4 stars). 3 submissions from 3 submitters: Uncertain significance (1); Likely benign (2). Last evaluated 2025-02-10.

Conditions:
CTSD-related disorder. Also called: CTSD-related condition.
Neuronal ceroid lipofuscinosis. Also called: Neuronal Ceroid Lipofuscinoses. Identifiers: Orphanet 216, Orphanet 79263, MedGen C0027877, MONDO:0016295. Disease mechanism: loss of function.

Allele frequency attached by ClinVar (database versions not stated): TOPMed 0.00003.

Submissions (3):

PreventionGenetics, part of Exact Sciences
Classification: Likely benign for CTSD-related condition. Last evaluated: 2025-02-10. Review status: criteria provided, single submitter. Criteria: ACMG Guidelines, 2015. Collection method: clinical testing. Allele origin: germline.
Comment: This variant is classified as likely benign based on ACMG/AMP sequence variant interpretation guidelines (Richards et al. 2015 PMID: 25741868, with internal and published modifications).

Labcorp Genetics (formerly Invitae), Labcorp
Classification: Likely benign for Neuronal ceroid lipofuscinosis. Last evaluated: 2024-03-02. Review status: criteria provided, single submitter. Criteria: Invitae Variant Classification Sherloc (09022015). Collection method: clinical testing. Allele origin: germline.

Eurofins Ntd Llc (ga)
Classification: Uncertain significance. Last evaluated: 2016-12-15. Review status: criteria provided, single submitter. Criteria: EGL Classification Definitions 2015. Collection method: clinical testing. Allele origin: germline. Observed: 1 variant allele, 1 heterozygote.

NM_001909.5(CTSD):c.704+7G>A

Gene: CTSD (cathepsin D; minus strand). Cytogenetic location: 11p15.5.
Variant type: single nucleotide variant.
Coding change: c.704+7G>A on transcript NM_001909.5 (MANE Select); 7 bases into the intron after coding-DNA position 704, G replaced by A.
Molecular consequence: intron variant.
Genome position (GRCh38, 1-based): chr11:1,757,317, C>T on the plus strand (G>A on the coding strand, the complement: CTSD is on the minus strand). VCF-style: chr11-1757317-C-T. GRCh37 (hg19) VCF-style: chr11-1778547-C-T.
Other names: c.704+7G>A (NM_001909.4).
Identifiers: ClinVar variation 498483 (VCV000498483.13), dbSNP rs748547852, ClinGen allele CA5814109.